The following is an entry in ClinVar:

ClinVar aggregate classification (germline): Uncertain significance (1 of 4 stars; one submission).

Conditions:
Immunodeficiency 133 with ectodermal dysplasia with or without peripheral neuropathy. Identifiers: MedGen C6012744, MONDO:0979570, OMIM 621254.
Charcot-Marie-Tooth disease, demyelinating, type 1J. Also called: CHARCOT-MARIE-TOOTH NEUROPATHY, DEMYELINATING, TYPE 1J. Identifiers: MedGen C5774249, MONDO:0859311, OMIM 620111.

gnomAD v4.1: 26 of 1,614,068 alleles (0.0016%); highest among the groups gnomAD compares: East Asian, 0.011%; no homozygotes.

Submission:

Juno Genomics, Hangzhou Juno Genomics, Inc
Classification: Uncertain significance for Immunodeficiency 133 with ectodermal dysplasia with or without peripheral neuropathy; Charcot-Marie-Tooth disease, demyelinating, type 1J. Review status: criteria provided, single submitter. Criteria: ACMG Guidelines, 2015. Collection method: clinical testing. Allele origin: germline.
Comment: Absent from controls (or at extremely low frequency if recessive) in Genome Aggregation Database.;Multiple lines of computational evidence support a deleterious effect on the gene or gene product.;Missense variant in a gene that has a low rate of benign missense variation.;Observed in a healthy adult individual for a recessive/dominant/X-linked disorder with full penetrance.

NM_002224.4(ITPR3):c.2320C>T (p.Arg774Cys)

Gene: ITPR3 (inositol 1,4,5-trisphosphate receptor type 3; plus strand). Cytogenetic location: 6p21.31.
Variant type: single nucleotide variant.
Coding change: c.2320C>T on transcript NM_002224.4 (MANE Select); coding-DNA position 2320, C replaced by T.
Protein change: p.Arg774Cys; replaces arginine 774 with cysteine.
Molecular consequence: missense variant.
Genome position (GRCh38, 1-based): chr6:33,670,455, C>T. VCF-style: chr6-33670455-C-T. GRCh37 (hg19) VCF-style: chr6-33638232-C-T.
Other names: short protein forms R774C.
Identifiers: ClinVar variation 5007041 (VCV005007041.2).